The following is an entry in ClinVar:

ClinVar aggregate classification (germline): Likely benign. Review status: criteria provided, multiple submitters, no conflicts (2 of 4 stars). 4 submissions from 4 submitters: Likely benign (3). 1 of the submissions does not count toward it. Last evaluated 2024-02-16.

Conditions:
GAS2L2-related disorder. Also called: GAS2L2-related condition.

Allele frequency attached by ClinVar (database versions not stated): gnomAD exomes 0.00020; ExAC 0.00030; 1000 Genomes Project 0.00080; ESP Exome Variant Server 0.00085; gnomAD 0.00091; TOPMed 0.00109; 1000 Genomes Project 30x 0.00125.
gnomAD v4.1: 437 of 1,609,060 alleles (0.027%); highest among the groups gnomAD compares: African/African-American, 0.28%; 1 homozygote.

Submissions (4):

Blueprint Genetics
Classification: Likely benign. Last evaluated: 2024-02-16. Review status: criteria provided, single submitter. Criteria: ACMG Guidelines, 2015. Collection method: clinical testing. Allele origin: germline.

CeGaT Center for Human Genetics Tuebingen
Classification: Likely benign. Last evaluated: 2022-06-01. Review status: criteria provided, single submitter. Criteria: CeGaT Center For Human Genetics Tuebingen Variant Classification Criteria Version 2. Collection method: clinical testing. Allele origin: germline. Affected: yes. Observed: 1 variant allele.
Comment: GAS2L2: BP4, BS2

Ambry Genetics
Classification: Likely benign. Last evaluated: 2021-08-13. Review status: criteria provided, single submitter. Criteria: Ambry Variant Classification Scheme 2023. Collection method: clinical testing. Allele origin: germline.

PreventionGenetics, part of Exact Sciences
Classification: Likely benign for GAS2L2-related condition. Last evaluated: 2023-08-15. Review status: no assertion criteria provided. Collection method: clinical testing. Allele origin: germline. Not counted in ClinVar's aggregate classification.
Comment: This variant is classified as likely benign based on ACMG/AMP sequence variant interpretation guidelines (Richards et al. 2015 PMID: 25741868, with internal and published modifications).

NM_139285.4(GAS2L2):c.1031G>A (p.Arg344His)

Gene: GAS2L2 (growth arrest specific 2 like 2; minus strand). Cytogenetic location: 17q12.
Variant type: single nucleotide variant.
Coding change: c.1031G>A on transcript NM_139285.4 (MANE Select); coding-DNA position 1031, G replaced by A.
Protein change: p.Arg344His; replaces arginine 344 with histidine.
Molecular consequence: missense variant.
Genome position (GRCh38, 1-based): chr17:35,747,070, C>T on the plus strand (G>A on the coding strand, the complement: GAS2L2 is on the minus strand). VCF-style: chr17-35747070-C-T. GRCh37 (hg19) VCF-style: chr17-34074089-C-T.
Other names: short protein forms R344H.
Identifiers: ClinVar variation 2212826 (VCV002212826.28), dbSNP rs150792519, ClinGen allele CA8506195.
Genomic context (GRCh38, chr17:35,747,070, plus strand): 5'-CCATACCTCAGGAATGGTGCCATCTCTCTGGAGGCCCCCGTCCCTGCTCCCCGTTCCCTG[C>T]GGGGTCTGGGGGAGGATGGGGTGGGGGGCCTCAGCCTTCGGTCTGAAGAGGTATATGTCT-3'
Protein context (NP_644814.1, residues 334-354): RPPTPSSPRP[Arg344His]RERGAGTGAS